The following is an entry in ClinVar:

NM_002528.5(NTHL1):c.-1G>C

Genes: NTHL1 (nth like DNA glycosylase 1; minus strand), LOC130058209 (ATAC-STARR-seq lymphoblastoid active region 10253; plus strand). Cytogenetic location: 16p13.3.
Variant type: single nucleotide variant.
Coding change: c.-1G>C on transcript NM_002528.5; 1 bases upstream of the start codon, G replaced by C.
Genome position (GRCh38, 1-based): chr16:2,047,848, C>G on the plus strand (G>C on the coding strand, the complement: NTHL1 is on the minus strand). VCF-style: chr16-2047848-C-G. GRCh37 (hg19) VCF-style: chr16-2097849-C-G.
Identifiers: ClinVar variation 3881352 (VCV003881352.1).

ClinVar aggregate classification (germline): Uncertain significance (1 of 4 stars; one submission).

Conditions:
Hereditary cancer-predisposing syndrome. Also called: Neoplastic Syndromes, Hereditary; Tumor predisposition; Hereditary Cancer Syndrome; Hereditary neoplastic syndrome. Identifiers: Orphanet 140162, MedGen C0027672, MeSH D009386, MONDO:0015356.

Submission:

Ambry Genetics
Classification: Uncertain significance for Hereditary cancer-predisposing syndrome. Last evaluated: 2025-01-13. Review status: criteria provided, single submitter. Criteria: Ambry Variant Classification Scheme 2023. Collection method: clinical testing. Allele origin: germline.
Comment: The c.-1G>C variant is located in the 5' untranslated region (5&rsquo; UTR) of the NTHL1 gene. This variant results from a G to C substitution 1 bases upstream from the first translated codon. This nucleotide position is well conserved in available vertebrate species. Based on the available evidence, the clinical significance of this variant remains unclear.